The following is an entry in ClinVar:

NM_001009944.3(PKD1):c.10447A>C (p.Ser3483Arg)

Gene: PKD1 (polycystin 1, transient receptor potential channel interacting; minus strand). Cytogenetic location: 16p13.3.
Variant type: single nucleotide variant.
Coding change: c.10447A>C on transcript NM_001009944.3 (MANE Select); coding-DNA position 10447, A replaced by C.
Protein change: p.Ser3483Arg; replaces serine 3483 with arginine.
Molecular consequence: missense variant.
Genome position (GRCh38, 1-based): chr16:2,097,200, T>G on the plus strand (A>C on the coding strand, the complement: PKD1 is on the minus strand). VCF-style: chr16-2097200-T-G. GRCh37 (hg19) VCF-style: chr16-2147201-T-G.
Other names: c.10444A>C, p.Ser3482Arg (NM_000296.4); short protein forms S3483R, S3482R.
Identifiers: ClinVar variation 2377998 (VCV002377998.3), dbSNP rs370702171, ClinGen allele CA7829578.

ClinVar aggregate classification (germline): Conflicting classifications of pathogenicity. Review status: criteria provided, conflicting classifications (1 of 4 stars). 2 submissions from 2 submitters: Uncertain significance (1); Likely benign (1). Last evaluated 2026-07-22.

Conditions:
PKD1-related disorder. Also called: PKD1-related condition.
Inborn genetic diseases. Identifiers: MedGen C0950123, MeSH D030342.

Allele frequency attached by ClinVar (database versions not stated): gnomAD exomes 0.00008; 1000 Genomes Project 30x 0.00016; 1000 Genomes Project 0.00020.
gnomAD v4.1: 126 of 1,566,336 alleles (0.008%); highest among the groups gnomAD compares: South Asian, 0.14%; 3 homozygotes.

Submissions (2):

PreventionGenetics, part of Exact Sciences
Classification: Likely benign for PKD1-related condition. Last evaluated: 2026-07-22. Review status: criteria provided, single submitter. Criteria: ACMG Guidelines, 2015. Collection method: clinical testing. Allele origin: germline.
Comment: This variant is classified as likely benign based on ACMG/AMP sequence variant interpretation guidelines (Richards et al. 2015 PMID: 25741868, with internal and published modifications).

Ambry Genetics
Classification: Uncertain significance for Inborn genetic diseases. Last evaluated: 2022-06-24. Review status: criteria provided, single submitter. Criteria: Ambry Variant Classification Scheme 2023. Collection method: clinical testing. Allele origin: germline.